The following is an entry in ClinVar:

ClinVar aggregate classification (germline): Benign (1 of 4 stars; one submission).

Conditions:
Posterior column ataxia-retinitis pigmentosa syndrome (RETSNS). Also called: RETINOPATHY-SENSORY NEUROPATHY SYNDROME. Identifiers: Orphanet 88628, MedGen C1836916, MONDO:0012177, OMIM 609033.

Allele frequency attached by ClinVar (database versions not stated): gnomAD 0.00556 and 0.00521; 1000 Genomes Project 30x 0.00656; gnomAD exomes 0.00092; TOPMed 0.00619; 1000 Genomes Project 0.00659.
gnomAD v4.1: 807 of 170,400 alleles (0.47%); highest among the groups gnomAD compares: African/African-American, 1.8%; 7 homozygotes.

Submission:

Illumina Laboratory Services, Illumina
Classification: Benign for Posterior column ataxia-retinitis pigmentosa syndrome. Last evaluated: 2018-01-12. Review status: criteria provided, single submitter. Criteria: ICSL Variant Classification Criteria 13 December 2019. Collection method: clinical testing. Allele origin: germline.
Comment: This variant was observed in the ICSL laboratory as part of a predisposition screen in an ostensibly healthy population. It had not been previously curated by ICSL or reported in the Human Gene Mutation Database (HGMD: prior to June 1st, 2018), and was therefore a candidate for classification through an automated scoring system. Utilizing variant allele frequency, disease prevalence and penetrance estimates, and inheritance mode, an automated score was calculated to assess if this variant is too frequent to cause the disease. Based on the score and internal cut-off values, a variant classified as benign is not then subjected to further curation. The score for this variant resulted in a classification of benign for this disease.

NM_017791.3(FLVCR2):c.*573C>T

Gene: FLVCR2 (FLVCR choline and putative heme transporter 2; plus strand). Cytogenetic location: 14q24.3.
Variant type: single nucleotide variant.
Coding change: c.*573C>T on transcript NM_017791.3 (MANE Select); 573 bases downstream of the stop codon, C replaced by T.
Molecular consequence: 3 prime UTR variant.
Genome position (GRCh38, 1-based): chr14:75,647,045, C>T. VCF-style: chr14-75647045-C-T. GRCh37 (hg19) VCF-style: chr14-76113388-C-T.
Other names: c.*573C>T (NM_001195283.2).
Identifiers: ClinVar variation 314426 (VCV000314426.5), dbSNP rs116699854, ClinGen allele CA10635355.